The following is an entry in ClinVar:

NM_002519.3(NPAT):c.2356C>G (p.Leu786Val)

Gene: NPAT (nuclear protein, coactivator of histone transcription; minus strand). Cytogenetic location: 11q22.3.
Variant type: single nucleotide variant.
Coding change: c.2356C>G on transcript NM_002519.3 (MANE Select); coding-DNA position 2356, C replaced by G.
Protein change: p.Leu786Val; replaces leucine 786 with valine.
Molecular consequence: missense variant.
Genome position (GRCh38, 1-based): chr11:108,172,628, G>C on the plus strand (C>G on the coding strand, the complement: NPAT is on the minus strand). VCF-style: chr11-108172628-G-C. GRCh37 (hg19) VCF-style: chr11-108043355-G-C.
Other names: c.2356C>G, p.Leu786Val (NM_001321307.1); short protein forms L786V.
Identifiers: ClinVar variation 1790078 (VCV001790078.8), dbSNP rs1454878586, ClinGen allele CA382513151.

ClinVar aggregate classification (germline): Uncertain significance. Review status: criteria provided, multiple submitters, no conflicts (2 of 4 stars). 2 submissions from 2 submitters: Uncertain significance (2). Last evaluated 2025-08-02.

Allele frequency attached by ClinVar (database versions not stated): gnomAD exomes below 0.00001; TOPMed below 0.00001.
gnomAD v4.1: 3 of 1,614,130 alleles (0.00019%); highest among the groups gnomAD compares: East Asian, 0.0067%; no homozygotes.

Submissions (2):

Labcorp Genetics (formerly Invitae), Labcorp
Classification: Uncertain significance. Last evaluated: 2025-08-02. Review status: criteria provided, single submitter. Criteria: Invitae Variant Classification Sherloc (09022015). Collection method: clinical testing. Allele origin: germline.
Comment: This sequence change replaces leucine, which is neutral and non-polar, with valine, which is neutral and non-polar, at codon 786 of the NPAT protein (p.Leu786Val). This variant is present in population databases (no rsID available, gnomAD 0.006%). This variant has not been reported in the literature in individuals affected with NPAT-related conditions. ClinVar contains an entry for this variant (Variation ID: 1790078). An algorithm developed to predict the effect of missense changes on protein structure and function outputs the following: PolyPhen-2: "Benign". The valine amino acid residue is found in multiple mammalian species, which suggests that this missense change does not adversely affect protein function. In summary, the available evidence is currently insufficient to determine the role of this variant in disease. Therefore, it has been classified as a Variant of Uncertain Significance.

Ambry Genetics
Classification: Uncertain significance. Last evaluated: 2023-09-01. Review status: criteria provided, single submitter. Criteria: Ambry Variant Classification Scheme 2023. Collection method: clinical testing. Allele origin: germline.
Comment: The p.L786V variant (also known as c.2356C>G), located in coding exon 13 of the NPAT gene, results from a C to G substitution at nucleotide position 2356. The leucine at codon 786 is replaced by valine, an amino acid with highly similar properties. This amino acid position is conserved. In addition, this alteration is predicted to be tolerated by in silico analysis. Since supporting evidence is limited at this time, the clinical significance of this alteration remains unclear.